The following is an entry in ClinVar:

ClinVar aggregate classification (germline): Uncertain significance (1 of 4 stars; one submission).

Conditions:
Inborn genetic diseases. Identifiers: MedGen C0950123, MeSH D030342.

Submission:

Ambry Genetics
Classification: Uncertain significance for Inborn genetic diseases. Last evaluated: 2026-08-31. Review status: criteria provided, single submitter. Criteria: Ambry Variant Classification Scheme 2023. Collection method: clinical testing. Allele origin: germline.
Comment: The p.S607C variant (also known as c.1819A>T), located in coding exon 11 of the FANCM gene, results from an A to T substitution at nucleotide position 1819. The serine at codon 607 is replaced by cysteine, an amino acid with dissimilar properties. This amino acid position is conserved. In addition, this alteration is predicted to be tolerated by in silico analysis. Based on the available evidence, the clinical significance of this variant remains unclear.

NM_020937.4(FANCM):c.1819A>T (p.Ser607Cys)

Gene: FANCM (FA complementation group M; plus strand). Cytogenetic location: 14q21.2.
Variant type: single nucleotide variant.
Coding change: c.1819A>T on transcript NM_020937.4 (MANE Select); coding-DNA position 1819, A replaced by T.
Protein change: p.Ser607Cys; replaces serine 607 with cysteine.
Molecular consequence: missense variant.
Genome position (GRCh38, 1-based): chr14:45,166,980, A>T. VCF-style: chr14-45166980-A-T. GRCh37 (hg19) VCF-style: chr14-45636183-A-T.
Other names: c.1741A>T, p.Ser581Cys (NM_001308133.2); c.1819A>T, p.Ser607Cys (NM_001308134.2); short protein forms S607C, S581C.
Identifiers: ClinVar variation 5021533 (VCV005021533.1).
Genomic context (GRCh38, chr14:45,166,980, plus strand): 5'-TAATCTGACATTTTCTATTTGTTTTTACAGATTTATAATCAGAGTCAGTCCAACAAAAGA[A>T]GTATATATAAAGCTATTTCAAGTAACAGGCAGGTCCTTCATTTTTACCAAAGAAGTCCAC-3'
Protein context (NP_065988.1, residues 597-617): IYNQSQSNKR[Ser607Cys]IYKAISSNRQ